The following is an entry in ClinVar:

ClinVar aggregate classification (germline): Conflicting classifications of pathogenicity. Review status: criteria provided, conflicting classifications (1 of 4 stars). 5 submissions from 5 submitters: Uncertain significance (2); Likely benign (3). Last evaluated 2026-06-10.

Conditions:
Familial thoracic aortic aneurysm and aortic dissection (TAAD). Also called: Thoracic aortic aneurysms and dissections. Identifiers: Orphanet 91387, MedGen C4707243, MONDO:0019625.
Ehlers-Danlos syndrome, type 4 (EDSVASC). Also called: Ehlers-Danlos Syndrome Type IV; Ehlers-Danlos syndrome vascular type; Ehlers Danlos syndrome, ecchymotic type; Ehlers Danlos syndrome, arterial type; Ehlers Danlos syndrome, Sack-Barabas type. Identifiers: Orphanet 286, MedGen C0268338, MONDO:0017314, OMIM 130050.

Allele frequency attached by ClinVar (database versions not stated): gnomAD 0.00003; TOPMed 0.00003; gnomAD exomes 0.00004.
gnomAD v4.1: 33 of 1,541,800 alleles (0.0021%); highest among the groups gnomAD compares: Middle Eastern, 0.033%; no homozygotes.

Submissions (5):

Women's Health and Genetics/Laboratory Corporation of America, LabCorp
Classification: Uncertain significance. Last evaluated: 2026-06-10. Review status: criteria provided, single submitter. Criteria: LabCorp Variant Classification Summary - May 2015. Collection method: clinical testing. Allele origin: germline.
Comment: Variant summary: COL3A1 c.2446-10T>C alters a nucleotide located at a position not widely known to affect splicing. Several computational tools predict a significant impact on normal splicing: Two predict the variant weakens a 3' acceptor site. One predict the variant abolishes a 3' acceptor site. However, these predictions have yet to be confirmed by functional studies. The variant allele was found at a frequency of 3.8e-05 in 156478 control chromosomes. The available data on variant occurrences in the general population are insufficient to allow any conclusion about variant significance. To our knowledge, no occurrence of c.2446-10T>C in individuals affected with COL3A1-related conditions and no experimental evidence demonstrating its impact on protein function have been reported. ClinVar contains an entry for this variant (Variation ID: 404292). Based on the evidence outlined above, the variant was classified as uncertain significance.

Labcorp Genetics (formerly Invitae), Labcorp
Classification: Likely benign for Ehlers-Danlos syndrome, type 4. Last evaluated: 2025-09-14. Review status: criteria provided, single submitter. Criteria: Invitae Variant Classification Sherloc (09022015). Collection method: clinical testing. Allele origin: germline.

GeneDx
Classification: Likely benign. Last evaluated: 2020-08-04. Review status: criteria provided, single submitter. Criteria: GeneDx Variant Classification Process June 2021. Collection method: clinical testing. Allele origin: germline. Affected: yes.

Mayo Clinic Laboratories, Mayo Clinic
Classification: Uncertain significance. Last evaluated: 2020-03-10. Review status: criteria provided, single submitter. Criteria: ACMG Guidelines, 2015. Collection method: clinical testing. Allele origin: germline. Observed: 1 variant allele.

Color Diagnostics, LLC DBA Color Health
Classification: Likely benign for Familial thoracic aortic aneurysm and aortic dissection. Last evaluated: 2018-11-16. Review status: criteria provided, single submitter. Criteria: ACMG Guidelines, 2015. Collection method: clinical testing. Allele origin: germline.

NM_000090.4(COL3A1):c.2446-10T>C

Gene: COL3A1 (collagen type III alpha 1 chain; plus strand). Cytogenetic location: 2q32.2.
Variant type: single nucleotide variant.
Coding change: c.2446-10T>C on transcript NM_000090.4 (MANE Select); 10 bases into the intron before coding-DNA position 2446, T replaced by C.
Molecular consequence: intron variant.
Genome position (GRCh38, 1-based): chr2:189,002,945, T>C. VCF-style: chr2-189002945-T-C. GRCh37 (hg19) VCF-style: chr2-189867671-T-C.
Identifiers: ClinVar variation 404292 (VCV000404292.20), dbSNP rs1060500195, ClinGen allele CA16610551.